The following is an entry in ClinVar:

NM_004973.4(JARID2):c.810C>T (p.Pro270=)

Gene: JARID2 (jumonji and AT-rich interaction domain containing 2; plus strand). Cytogenetic location: 6p22.3.
Variant type: single nucleotide variant.
Coding change: c.810C>T on transcript NM_004973.4 (MANE Select); coding-DNA position 810, C replaced by T.
Protein change: p.Pro270=; no amino-acid change (proline 270 retained).
Molecular consequence: synonymous variant.
Genome position (GRCh38, 1-based): chr6:15,487,446, C>T. VCF-style: chr6-15487446-C-T. GRCh37 (hg19) VCF-style: chr6-15487677-C-T.
Other names: c.294C>T, p.Pro98= (NM_001267040.1).
Identifiers: ClinVar variation 4084489 (VCV004084489.8).

ClinVar aggregate classification (germline): Likely benign (1 of 4 stars; one submission).

gnomAD v4.1: 238 of 1,614,240 alleles (0.015%); highest among the groups gnomAD compares: Non-Finnish European, 0.018%; no homozygotes.

Submission:

CeGaT Center for Human Genetics Tuebingen
Classification: Likely benign. Last evaluated: 2026-03-01. Review status: criteria provided, single submitter. Criteria: CeGaT Center For Human Genetics Tuebingen Variant Classification Criteria Version 2. Collection method: clinical testing. Allele origin: germline. Affected: yes. Observed: 4 variant alleles.
Comment: JARID2: BP4, BP7